The following is an entry in ClinVar:

ClinVar aggregate classification (germline): Benign. Review status: criteria provided, multiple submitters, no conflicts (2 of 4 stars). 2 submissions from 2 submitters: Benign (2). Last evaluated 2020-04-28.

Allele frequency attached by ClinVar (database versions not stated): ESP Exome Variant Server 0.08957; gnomAD 0.09170 and 0.09380; TOPMed 0.09649; gnomAD exomes 0.11221 and 0.11818; ExAC 0.11648; 1000 Genomes Project 30x 0.11946; 1000 Genomes Project 0.12420.
gnomAD v4.1: 178,728 of 1,613,694 alleles (11%); highest among the groups gnomAD compares: East Asian, 24%; 11,436 homozygotes.

Submissions (2):

GeneDx
Classification: Benign. Last evaluated: 2020-04-28. Review status: criteria provided, single submitter. Criteria: GeneDx Variant Classification Process June 2021. Collection method: clinical testing. Allele origin: germline. Affected: yes.
Comment: This variant is associated with the following publications: (PMID: 31640787)

Breakthrough Genomics
Classification: Benign. Review status: criteria provided, single submitter. Criteria: ACMG Guidelines, 2015. Collection method: not provided. Allele origin: germline. Inheritance: Unknown mechanism. Affected: yes.

NM_002155.5(HSPA6):c.592C>T (p.Leu198Phe)

Gene: HSPA6 (heat shock protein family A (Hsp70) member 6; plus strand). Cytogenetic location: 1q23.3.
Variant type: single nucleotide variant.
Coding change: c.592C>T on transcript NM_002155.5 (MANE Select); coding-DNA position 592, C replaced by T.
Protein change: p.Leu198Phe; replaces leucine 198 with phenylalanine.
Molecular consequence: missense variant.
Genome position (GRCh38, 1-based): chr1:161,525,250, C>T. VCF-style: chr1-161525250-C-T. GRCh37 (hg19) VCF-style: chr1-161495040-C-T.
Other names: short protein forms L198F.
Identifiers: ClinVar variation 1234232 (VCV001234232.4), dbSNP rs1079109, ClinGen allele CA1210984.